The following is an entry in ClinVar:

NM_004817.4(TJP2):c.705G>T (p.Arg235=)

Gene: TJP2 (tight junction protein 2; plus strand). Cytogenetic location: 9q21.11.
Variant type: single nucleotide variant.
Coding change: c.705G>T on transcript NM_004817.4 (MANE Select); coding-DNA position 705, G replaced by T.
Protein change: p.Arg235=; no amino-acid change (arginine 235 retained).
Molecular consequence: synonymous variant.
Genome position (GRCh38, 1-based): chr9:69,221,249, G>T. VCF-style: chr9-69221249-G-T. GRCh37 (hg19) VCF-style: chr9-71836165-G-T.
Other names: p.Arg235=; c.636G>T, p.Arg212= (NM_001170414.2, NM_001369870.1, NM_001369871.1); c.717G>T, p.Arg239= (NM_001170415.1, NM_001369874.1, NM_001369875.1); c.798G>T, p.Arg266= (NM_001170416.2); c.705G>T, p.Arg235= (NM_001369872.1, NM_001369873.1, NM_201629.3 and 1 more transcripts).
Identifiers: ClinVar variation 290895 (VCV000290895.13), dbSNP rs750625862, ClinGen allele CA5073077.

ClinVar aggregate classification (germline): Conflicting classifications of pathogenicity. Review status: criteria provided, conflicting classifications (1 of 4 stars). 3 submissions from 3 submitters: Uncertain significance (1); Likely benign (2). Last evaluated 2025-07-28.

Allele frequency attached by ClinVar (database versions not stated): gnomAD exomes 0.00003; ExAC 0.00004; gnomAD 0.00014 and 0.00017; TOPMed 0.00019.
gnomAD v4.1: 48 of 1,607,966 alleles (0.003%); highest among the groups gnomAD compares: African/African-American, 0.058%; no homozygotes.

Submissions (3):

Labcorp Genetics (formerly Invitae), Labcorp
Classification: Likely benign. Last evaluated: 2025-07-28. Review status: criteria provided, single submitter. Criteria: Invitae Variant Classification Sherloc (09022015). Collection method: clinical testing. Allele origin: germline.

Mayo Clinic Laboratories, Mayo Clinic
Classification: Likely benign. Last evaluated: 2022-10-05. Review status: criteria provided, single submitter. Criteria: ACMG Guidelines, 2015. Collection method: clinical testing. Allele origin: germline. Observed: 2 variant alleles.
Comment: BP4, BP7

Eurofins Ntd Llc (ga)
Classification: Uncertain significance. Last evaluated: 2017-04-27. Review status: criteria provided, single submitter. Criteria: EGL Classification Definitions 2015. Collection method: clinical testing. Allele origin: germline. Observed: 2 variant alleles, 2 heterozygotes.